The following is an entry in ClinVar:

ClinVar aggregate classification (germline): Conflicting classifications of pathogenicity. Review status: criteria provided, conflicting classifications (1 of 4 stars). 2 submissions from 2 submitters: Uncertain significance (1); Likely benign (1). Last evaluated 2024-10-07.

Allele frequency attached by ClinVar (database versions not stated): ExAC 0.00002; gnomAD 0.00005; TOPMed 0.00008; ESP Exome Variant Server 0.00009; gnomAD exomes 0.00012.

Submissions (2):

Ambry Genetics
Classification: Uncertain significance. Last evaluated: 2024-10-07. Review status: criteria provided, single submitter. Criteria: Ambry Variant Classification Scheme 2023. Collection method: clinical testing. Allele origin: germline.

CeGaT Center for Human Genetics Tuebingen
Classification: Likely benign. Last evaluated: 2022-12-01. Review status: criteria provided, single submitter. Criteria: CeGaT Center For Human Genetics Tuebingen Variant Classification Criteria Version 2. Collection method: clinical testing. Allele origin: germline. Affected: yes. Observed: 1 variant allele.
Comment: CNGA2: BS2

NM_005140.3(CNGA2):c.584G>A (p.Arg195His)

Gene: CNGA2 (cyclic nucleotide gated channel subunit alpha 2; plus strand). Cytogenetic location: Xq28.
Variant type: single nucleotide variant.
Coding change: c.584G>A on transcript NM_005140.3 (MANE Select); coding-DNA position 584, G replaced by A.
Protein change: p.Arg195His; replaces arginine 195 with histidine.
Molecular consequence: missense variant.
Genome position (GRCh38, 1-based): chrX:151,742,637, G>A. VCF-style: chrX-151742637-G-A. GRCh37 (hg19) VCF-style: chrX-150911109-G-A.
Other names: c.584G>A (NM_005140.1); short protein forms R195H.
Identifiers: ClinVar variation 2661651 (VCV002661651.25), dbSNP rs375875187, ClinGen allele CA10541802.